The following is an entry in ClinVar:

NM_003718.5(CDK13):c.3769C>T (p.Pro1257Ser)

Gene: CDK13 (cyclin dependent kinase 13; plus strand). Cytogenetic location: 7p14.1.
Variant type: single nucleotide variant.
Coding change: c.3769C>T on transcript NM_003718.5 (MANE Select); coding-DNA position 3769, C replaced by T.
Protein change: p.Pro1257Ser; replaces proline 1257 with serine.
Molecular consequence: missense variant.
Genome position (GRCh38, 1-based): chr7:40,094,210, C>T. VCF-style: chr7-40094210-C-T. GRCh37 (hg19) VCF-style: chr7-40133809-C-T.
Other names: c.3589C>T, p.Pro1197Ser (NM_031267.4); short protein forms P1197S, P1257S.
Identifiers: ClinVar variation 3906548 (VCV003906548.1).

ClinVar aggregate classification (germline): Uncertain significance (1 of 4 stars; one submission).

gnomAD v4.1: 1 of 1,613,906 alleles (0.000062%); highest among the groups gnomAD compares: Non-Finnish European, 0.000085%; no homozygotes.

Submission:

GeneDx
Classification: Uncertain significance. Last evaluated: 2024-12-17. Review status: criteria provided, single submitter. Criteria: GeneDx Variant Classification Process June 2021. Collection method: clinical testing. Allele origin: germline. Affected: yes.
Comment: Not observed at significant frequency in large population cohorts (gnomAD); In silico analysis supports that this missense variant has a deleterious effect on protein structure/function; Has not been previously published as pathogenic or benign to our knowledge